The following is an entry in ClinVar:

NM_001348323.3(TRIP12):c.3799G>A (p.Val1267Ile)

Gene: TRIP12 (thyroid hormone receptor interactor 12; minus strand). Cytogenetic location: 2q36.3.
Variant type: single nucleotide variant.
Coding change: c.3799G>A on transcript NM_001348323.3 (MANE Select); coding-DNA position 3799, G replaced by A.
Protein change: p.Val1267Ile; replaces valine 1267 with isoleucine.
Molecular consequence: missense variant.
Genome position (GRCh38, 1-based): chr2:229,796,608, C>T on the plus strand (G>A on the coding strand, the complement: TRIP12 is on the minus strand). VCF-style: chr2-229796608-C-T. GRCh37 (hg19) VCF-style: chr2-230661324-C-T.
Other names: c.3799G>A, p.Val1267Ile (NM_001348324.2, NM_001348325.2, NM_001348326.2 and 4 more transcripts); c.3802G>A, p.Val1268Ile (NM_001348328.1, NM_001348329.2, NM_001348330.2 and 1 more transcripts); c.3592G>A, p.Val1198Ile (NM_001348331.1); c.3712G>A, p.Val1238Ile (NM_001348332.1); c.3721G>A, p.Val1241Ile (NM_001348333.1); c.3574G>A, p.Val1192Ile (NM_004238.3); c.3718G>A, p.Val1240Ile (NM_001284214.2, NM_001348315.2); c.3673G>A, p.Val1225Ile (NM_001284215.2, NM_001348316.2, NM_001348317.1 and 1 more transcripts); and 1 more; short protein forms V1192I, V1198I, V1225I, V1238I, V1240I, V1241I, V1267I, V1268I.
Identifiers: ClinVar variation 4865946 (VCV004865946.1).

ClinVar aggregate classification (germline): Uncertain significance (1 of 4 stars; one submission).

Conditions:
Inborn genetic diseases. Identifiers: MedGen C0950123, MeSH D030342.

gnomAD v4.1: 1 of 1,588,888 alleles (0.000063%); highest among the groups gnomAD compares: Admixed American, 0.0019%; no homozygotes.

Submission:

Ambry Genetics
Classification: Uncertain significance for Inborn genetic diseases. Last evaluated: 2026-06-10. Review status: criteria provided, single submitter. Criteria: Ambry Variant Classification Scheme 2023. Collection method: clinical testing. Allele origin: germline.
Comment: The c.3574G>A (p.V1192I) alteration is located in exon 24 (coding exon 23) of the TRIP12 gene. This alteration results from a G to A substitution at nucleotide position 3574, causing the valine (V) at amino acid position 1192 to be replaced by an isoleucine (I). Based on data from gnomAD, the A allele has an overall frequency of <0.001% (1/226504) total alleles studied. The highest observed frequency was 0.004% (1/27036) of Latino alleles. Based on insufficient or conflicting evidence, the clinical significance of this alteration remains unclear.